The following is an entry in ClinVar:

ClinVar aggregate classification (germline): Uncertain significance. Review status: criteria provided, single submitter (1 of 4 stars). 2 submissions from 2 submitters: Uncertain significance (1). 1 of the submissions does not count toward it. Last evaluated 2025-06-19.

Conditions:
NRP2-related disorder. Also called: NRP2-related condition.

gnomAD v4.1: 30 of 1,614,004 alleles (0.0019%); highest among the groups gnomAD compares: Middle Eastern, 0.017%; no homozygotes.

Submissions (2):

Ambry Genetics
Classification: Uncertain significance. Last evaluated: 2025-06-19. Review status: criteria provided, single submitter. Criteria: Ambry Variant Classification Scheme 2023. Collection method: clinical testing. Allele origin: germline.

PreventionGenetics, part of Exact Sciences
Classification: Uncertain significance for NRP2-related condition. Last evaluated: 2024-09-16. Review status: no assertion criteria provided. Collection method: clinical testing. Allele origin: germline. Not counted in ClinVar's aggregate classification.
Comment: The NRP2 c.1283G>A variant is predicted to result in the amino acid substitution p.Arg428Gln. To our knowledge, this variant has not been reported in the literature. This variant is reported in 0.020% of alleles in individuals of European (Finnish) descent in gnomAD. At this time, the clinical significance of this variant is uncertain due to the absence of conclusive functional and genetic evidence.

NM_003872.3(NRP2):c.1283G>A (p.Arg428Gln)

Gene: NRP2 (neuropilin 2; plus strand). Cytogenetic location: 2q33.3.
Variant type: single nucleotide variant.
Coding change: c.1283G>A on transcript NM_003872.3 (MANE Select); coding-DNA position 1283, G replaced by A.
Protein change: p.Arg428Gln; replaces arginine 428 with glutamine.
Molecular consequence: missense variant.
Genome position (GRCh38, 1-based): chr2:205,740,655, G>A. VCF-style: chr2-205740655-G-A. GRCh37 (hg19) VCF-style: chr2-206605379-G-A.
Other names: c.1283G>A, p.Arg428Gln (NM_018534.4, NM_201264.2, NM_201266.2 and 2 more transcripts); short protein forms R428Q.
Identifiers: ClinVar variation 3353359 (VCV003353359.2).